The following is an entry in ClinVar:

NM_000064.4(C3):c.3536A>C (p.Asn1179Thr)

Gene: C3 (complement C3; minus strand). Cytogenetic location: 19p13.3.
Variant type: single nucleotide variant.
Coding change: c.3536A>C on transcript NM_000064.4 (MANE Select); coding-DNA position 3536, A replaced by C.
Protein change: p.Asn1179Thr; replaces asparagine 1179 with threonine.
Molecular consequence: missense variant.
Genome position (GRCh38, 1-based): chr19:6,686,856, T>G on the plus strand (A>C on the coding strand, the complement: C3 is on the minus strand). VCF-style: chr19-6686856-T-G. GRCh37 (hg19) VCF-style: chr19-6686867-T-G.
Other names: short protein forms N1179T.
Identifiers: ClinVar variation 4280217 (VCV004280217.1).
Genomic context (GRCh38, chr19:6,686,856, plus strand): 5'-ATCTGGGCCAGAGCATAGCCAGCAATGGCCACAGTGTAGGATCTCTGTAGGTTCATGTAG[T>G]TGGCTTCAAGGAAGTCTCCTGCTTTAGTGATGCTGCCTGGCAGGCTCTATGAGAAAGAGG-3'
Protein context (NP_000055.2, residues 1169-1189): ITKAGDFLEA[Asn1179Thr]YMNLQRSYTV

ClinVar aggregate classification (germline): Uncertain significance (1 of 4 stars; one submission).

Conditions:
C3 glomerulonephritis. Also called: C3 GLOMERULOPATHY 3; Nephropathy due to CFHR5 Deficiency. Identifiers: Orphanet 329931, MedGen C4055342, MONDO:0013892, OMIM 614809.

Submission:

Genomenon, Inc
Classification: Uncertain significance for C3 glomerulonephritis. Last evaluated: 2025-09-30. Review status: criteria provided, single submitter. Criteria: Genomenon Sequence Variant Interpretation Standards. Collection method: curation. Allele origin: germline. Affected: yes.
Comment: C3 p.Asn1179Thr (c.3536A>C) is a missense variant that changes the amino acid at residue 1179 from Asparagine to Threonine. This variant has been observed in at least one proband affected with C3 glomerulonephritis (PMID:37615951;28712854). It is absent or not present at a significant frequency in gnomAD. In silico models agree that this variant is not damaging. In conclusion, we classify C3 p.Asn1179Thr (c.3536A>C) as a variant of unknown significance.

Literature cited by the submitters: PubMed 37615951; PubMed 28712854.